The following is an entry in ClinVar:

ClinVar aggregate classification (germline): Pathogenic/Likely pathogenic. Review status: criteria provided, multiple submitters, no conflicts (2 of 4 stars). 2 submissions from 2 submitters: Pathogenic (1); Likely pathogenic (1). Last evaluated 2025-09-12.

Conditions:
Autosomal recessive nonsyndromic hearing loss 30. Identifiers: Orphanet 90636, MedGen C1846784, MONDO:0011774, OMIM 607101.

Allele frequency attached by ClinVar (database versions not stated): gnomAD exomes 0.00002; TOPMed 0.00002; ExAC 0.00005; gnomAD 0.00001.
gnomAD v4.1: 27 of 1,612,958 alleles (0.0017%); highest among the groups gnomAD compares: Admixed American, 0.005%; no homozygotes.

Submissions (2):

Labcorp Genetics (formerly Invitae), Labcorp
Classification: Pathogenic. Last evaluated: 2025-09-12. Review status: criteria provided, single submitter. Criteria: Invitae Variant Classification Sherloc (09022015). Collection method: clinical testing. Allele origin: germline.
Comment: This sequence change creates a premature translational stop signal (p.Arg1052*) in the MYO3A gene. It is expected to result in an absent or disrupted protein product. Loss-of-function variants in MYO3A are known to be pathogenic (PMID: 12032315, 23990876). This variant is present in population databases (rs772485524, gnomAD 0.006%). This variant has not been reported in the literature in individuals affected with MYO3A-related conditions. ClinVar contains an entry for this variant (Variation ID: 2192717). Algorithms developed to predict the effect of sequence changes on RNA splicing suggest that this variant may disrupt the consensus splice site. For these reasons, this variant has been classified as Pathogenic.

Juno Genomics, Hangzhou Juno Genomics, Inc
Classification: Likely pathogenic for Autosomal recessive nonsyndromic hearing loss 30. Review status: criteria provided, single submitter. Criteria: ACMG Guidelines, 2015. Collection method: clinical testing. Allele origin: germline.
Comment: Null variant in a gene where loss of function (LOF) is a known mechanism of disease.;Absent from controls (or at extremely low frequency if recessive) in Genome Aggregation Database.

Literature cited by the submitters: PubMed 12032315 (cited by Labcorp Genetics (formerly Invitae), Labcorp); PubMed 23990876 (cited by Labcorp Genetics (formerly Invitae), Labcorp).

NM_017433.5(MYO3A):c.3154C>T (p.Arg1052Ter)

Gene: MYO3A (myosin IIIA; plus strand). Cytogenetic location: 10p12.1.
Variant type: single nucleotide variant.
Coding change: c.3154C>T on transcript NM_017433.5 (MANE Select); coding-DNA position 3154, C replaced by T.
Protein change: p.Arg1052Ter; replaces arginine 1052 with a stop codon.
Molecular consequence: nonsense.
Genome position (GRCh38, 1-based): chr10:26,168,754, C>T. VCF-style: chr10-26168754-C-T. GRCh37 (hg19) VCF-style: chr10-26457683-C-T.
Other names: short protein forms R1052*.
Identifiers: ClinVar variation 2192717 (VCV002192717.6), dbSNP rs772485524, ClinGen allele CA5445195.
Genomic context (GRCh38, chr10:26,168,754, plus strand): 5'-TATATTTTAATTTTTCAGGTGTTCCTTAAGTATTATCACGTGGAGCAGTTAAATCTAATG[C>T]GAAAGGAAGCTATTGACAAGCTTATTTTGATTCAAGCTTGTGTCAGAGCATTCTTGTGTT-3'